The following is an entry in ClinVar:

ClinVar aggregate classification (germline): Benign. Review status: criteria provided, multiple submitters, no conflicts (2 of 4 stars). 5 submissions from 5 submitters: Benign (5). Last evaluated 2026-01-31.

Conditions:
Ellis-van Creveld syndrome (EVC). Also called: EVC-Related Ellis-van Creveld Syndrome; EVC2-Related Ellis-van Creveld Syndrome; MESOECTODERMAL DYSPLASIA; Chondroectodermal dysplasia. Identifiers: Orphanet 289, MedGen C0013903, MONDO:0009162, OMIM 225500.
Curry-Hall syndrome (WAD). Also called: WEYERS ACRODENTAL DYSOSTOSIS. Identifiers: Orphanet 952, MedGen C0457013, MONDO:0008673, OMIM 193530.

Allele frequency attached by ClinVar (database versions not stated): ExAC 0.00250; gnomAD 0.00801 and 0.00863; ESP Exome Variant Server 0.00846; gnomAD exomes 0.00076 and 0.00191; TOPMed 0.00937; 1000 Genomes Project 0.01078; 1000 Genomes Project 30x 0.01202.
gnomAD v4.1: 2,370 of 1,614,208 alleles (0.15%); highest among the groups gnomAD compares: African/African-American, 2.7%; 34 homozygotes.

Submissions (5):

Labcorp Genetics (formerly Invitae), Labcorp
Classification: Benign for Curry-Hall syndrome; Ellis-van Creveld syndrome. Last evaluated: 2026-01-31. Review status: criteria provided, single submitter. Criteria: Invitae Variant Classification Sherloc (09022015). Collection method: clinical testing. Allele origin: germline.

ARUP Laboratories, Molecular Genetics and Genomics, ARUP Laboratories
Classification: Benign. Last evaluated: 2025-02-11. Review status: criteria provided, single submitter. Criteria: ARUP Molecular Germline Variant Investigation Process 2024. Collection method: clinical testing. Allele origin: germline.

GeneDx
Classification: Benign. Last evaluated: 2018-05-22. Review status: criteria provided, single submitter. Criteria: GeneDx Variant Classification (06012015). Collection method: clinical testing. Allele origin: germline. Affected: yes.
Comment: This variant is considered likely benign or benign based on one or more of the following criteria: it is a conservative change, it occurs at a poorly conserved position in the protein, it is predicted to be benign by multiple in silico algorithms, and/or has population frequency not consistent with disease.

Illumina Laboratory Services, Illumina
Classification: Benign for Ellis-van Creveld syndrome. Last evaluated: 2018-01-13. Review status: criteria provided, single submitter. Criteria: ICSL Variant Classification Criteria 13 December 2019. Collection method: clinical testing. Allele origin: germline.
Comment: This variant was observed in the ICSL laboratory as part of a predisposition screen in an ostensibly healthy population. It had not been previously curated by ICSL or reported in the Human Gene Mutation Database (HGMD: prior to June 1st, 2018), and was therefore a candidate for classification through an automated scoring system. Utilizing variant allele frequency, disease prevalence and penetrance estimates, and inheritance mode, an automated score was calculated to assess if this variant is too frequent to cause the disease. Based on the score and internal cut-off values, a variant classified as benign is not then subjected to further curation. The score for this variant resulted in a classification of benign for this disease.

Breakthrough Genomics
Classification: Benign. Review status: criteria provided, single submitter. Criteria: ACMG Guidelines, 2015. Collection method: not provided. Allele origin: germline. Inheritance: Autosomal recessive inheritance. Affected: yes.

NM_147127.5(EVC2):c.692A>G (p.Lys231Arg)

Gene: EVC2 (EvC ciliary complex subunit 2; minus strand). Cytogenetic location: 4p16.2.
Variant type: single nucleotide variant.
Coding change: c.692A>G on transcript NM_147127.5 (MANE Select); coding-DNA position 692, A replaced by G.
Protein change: p.Lys231Arg; replaces lysine 231 with arginine.
Molecular consequence: missense variant.
Genome position (GRCh38, 1-based): chr4:5,689,171, T>C on the plus strand (A>G on the coding strand, the complement: EVC2 is on the minus strand). VCF-style: chr4-5689171-T-C. GRCh37 (hg19) VCF-style: chr4-5690898-T-C.
Other names: c.452A>G, p.Lys151Arg (NM_001166136.2); short protein forms K231R, K151R.
Identifiers: ClinVar variation 349094 (VCV000349094.28), dbSNP rs114024753, ClinGen allele CA2835367.